The following is an entry in ClinVar:

NM_172107.4(KCNQ2):c.2117C>A (p.Ala706Asp)

Gene: KCNQ2 (potassium voltage-gated channel subfamily Q member 2; minus strand). Cytogenetic location: 20q13.33.
Variant type: single nucleotide variant.
Coding change: c.2117C>A on transcript NM_172107.4 (MANE Select); coding-DNA position 2117, C replaced by A.
Protein change: p.Ala706Asp; replaces alanine 706 with aspartic acid.
Molecular consequence: missense variant.
Genome position (GRCh38, 1-based): chr20:63,407,146, G>T on the plus strand (C>A on the coding strand, the complement: KCNQ2 is on the minus strand). VCF-style: chr20-63407146-G-T. GRCh37 (hg19) VCF-style: chr20-62038499-G-T.
Other names: c.2171C>A, p.Ala724Asp (NM_001382235.1); c.2033C>A, p.Ala678Asp (NM_004518.6); c.2063C>A, p.Ala688Asp (NM_172106.3); c.2024C>A, p.Ala675Asp (NM_172108.5); short protein forms A688D, A706D, A675D, A678D, A724D.
Identifiers: ClinVar variation 1393693 (VCV001393693.11), dbSNP rs980128101, ClinGen allele CA317422271.

ClinVar aggregate classification (germline): Uncertain significance. Review status: criteria provided, multiple submitters, no conflicts (2 of 4 stars). 3 submissions from 3 submitters: Uncertain significance (3). Last evaluated 2022-08-19.

Conditions:
Early-infantile DEE. Also called: Early infantile epileptic encephalopathy; Ohtahara syndrome; Early infantile epileptic encephalopathy with suppression bursts. Identifiers: Orphanet 1934, MedGen C0393706, MONDO:0800491.

Allele frequency attached by ClinVar (database versions not stated): gnomAD exomes below 0.00001; TOPMed below 0.00001; gnomAD 0.00001.
gnomAD v4.1: 4 of 1,578,212 alleles (0.00025%); highest among the groups gnomAD compares: African/African-American, 0.004%; no homozygotes.

Submissions (3):

Women's Health and Genetics/Laboratory Corporation of America, LabCorp
Classification: Uncertain significance. Last evaluated: 2022-08-19. Review status: criteria provided, single submitter. Criteria: LabCorp Variant Classification Summary - May 2015. Collection method: clinical testing. Allele origin: germline.
Comment: Variant summary: KCNQ2 c.2117C>A (p.Ala706Asp) results in a non-conservative amino acid change in the encoded protein sequence. Three of five in-silico tools predict a benign effect of the variant on protein function. The variant allele was found at a frequency of 1.3e-05 in 150982 control chromosomes (gnomAD v3.1.2). The available data on variant occurrences in the general population are insufficient to allow any conclusion about variant significance. To our knowledge, no occurrence of c.2117C>A in individuals affected with KCNQ2-Related Disorders and no experimental evidence demonstrating its impact on protein function have been reported. Two ClinVar submitters have assessed the variant since 2014: both classified the variant as of uncertain significance. Based on the evidence outlined above, the variant was classified as uncertain significance.

GeneDx
Classification: Uncertain significance. Last evaluated: 2022-07-27. Review status: criteria provided, single submitter. Criteria: GeneDx Variant Classification Process June 2021. Collection method: clinical testing. Allele origin: germline. Affected: yes.
Comment: Has not been previously published as pathogenic or benign to our knowledge; Missense variants in this gene are often considered pathogenic (HGMD); In silico analysis supports that this missense variant does not alter protein structure/function

Labcorp Genetics (formerly Invitae), Labcorp
Classification: Uncertain significance for Early-infantile DEE. Last evaluated: 2022-07-06. Review status: criteria provided, single submitter. Criteria: Invitae Variant Classification Sherloc (09022015). Collection method: clinical testing. Allele origin: germline.
Comment: In summary, the available evidence is currently insufficient to determine the role of this variant in disease. Therefore, it has been classified as a Variant of Uncertain Significance. Advanced modeling of protein sequence and biophysical properties (such as structural, functional, and spatial information, amino acid conservation, physicochemical variation, residue mobility, and thermodynamic stability) performed at Invitae indicates that this missense variant is not expected to disrupt KCNQ2 protein function. ClinVar contains an entry for this variant (Variation ID: 1393693). This variant has not been reported in the literature in individuals affected with KCNQ2-related conditions. The frequency data for this variant in the population databases is considered unreliable, as metrics indicate poor data quality at this position in the gnomAD database. This sequence change replaces alanine, which is neutral and non-polar, with aspartic acid, which is acidic and polar, at codon 706 of the KCNQ2 protein (p.Ala706Asp).